The following is an entry in ClinVar:

ClinVar aggregate classification (germline): Pathogenic (1 of 4 stars; one submission).

Conditions:
Warburg micro syndrome 1 (WARBM1). Identifiers: Orphanet 2510, MedGen C1838625, MONDO:0010822, OMIM 600118.

Submission:

Baylor Genetics
Classification: Pathogenic for Warburg micro syndrome 1. Last evaluated: 2017-09-01. Review status: criteria provided, single submitter. Criteria: ACMG Guidelines, 2015. Collection method: clinical testing. Allele origin: paternal. Inheritance: Autosomal recessive inheritance. Affected: yes.

Literature cited by the submitters: PubMed 25326635.

NM_012233.3(RAB3GAP1):c.1310C>G (p.Ser437Ter)

Gene: RAB3GAP1 (RAB3 GTPase activating protein catalytic subunit 1; plus strand). Cytogenetic location: 2q21.3.
Variant type: single nucleotide variant.
Coding change: c.1310C>G on transcript NM_012233.3 (MANE Select); coding-DNA position 1310, C replaced by G.
Protein change: p.Ser437Ter; replaces serine 437 with a stop codon.
Molecular consequence: nonsense.
Genome position (GRCh38, 1-based): chr2:135,132,968, C>G. VCF-style: chr2-135132968-C-G. GRCh37 (hg19) VCF-style: chr2-135890538-C-G.
Other names: c.1310C>G, p.Ser437Ter (NM_001172435.2); short protein forms S437*.
Identifiers: ClinVar variation 560923 (VCV000560923.2), dbSNP rs1558792256, ClinGen allele CA348575080.